The following is an entry in ClinVar:

ClinVar aggregate classification (germline): Uncertain significance. Review status: criteria provided, multiple submitters, no conflicts (2 of 4 stars). 2 submissions from 2 submitters: Uncertain significance (2). Last evaluated 2025-04-30.

Conditions:
Neuropathy, hereditary sensory and autonomic, type 2A (HSAN2A). Also called: HSAN IIA; WNK1-Related HSAN2 (HSAN2A); ACROOSTEOLYSIS, GIACCAI TYPE; ACROOSTEOLYSIS, NEUROGENIC; MORVAN DISEASE; NEUROPATHY, CONGENITAL SENSORY. Identifiers: Orphanet 970, MedGen C2752089, MONDO:0024309, OMIM 201300.
Pseudohypoaldosteronism type 2C (PHA2C). Also called: Pseudohypoaldosteronism Type IIC. Identifiers: Orphanet 757, Orphanet 88940, MedGen C1840391, MONDO:0013778, OMIM 614492.

Allele frequency attached by ClinVar (database versions not stated): gnomAD 0.00001; gnomAD exomes 0.00001; TOPMed 0.00001.
gnomAD v4.1: 7 of 1,613,930 alleles (0.00043%); highest among the groups gnomAD compares: Non-Finnish European, 0.00059%; no homozygotes.

Submissions (2):

Labcorp Genetics (formerly Invitae), Labcorp
Classification: Uncertain significance for Neuropathy, hereditary sensory and autonomic, type 2A; Pseudohypoaldosteronism type 2C. Last evaluated: 2025-04-30. Review status: criteria provided, single submitter. Criteria: Invitae Variant Classification Sherloc (09022015). Collection method: clinical testing. Allele origin: germline.
Comment: This sequence change replaces isoleucine, which is neutral and non-polar, with valine, which is neutral and non-polar, at codon 1828 of the WNK1 protein (p.Ile1828Val). This variant is not present in population databases (gnomAD no frequency). This variant has not been reported in the literature in individuals affected with WNK1-related conditions. ClinVar contains an entry for this variant (Variation ID: 2922787). Invitae Evidence Modeling of protein sequence and biophysical properties (such as structural, functional, and spatial information, amino acid conservation, physicochemical variation, residue mobility, and thermodynamic stability) indicates that this missense variant is not expected to disrupt WNK1 protein function with a negative predictive value of 95%. In summary, the available evidence is currently insufficient to determine the role of this variant in disease. Therefore, it has been classified as a Variant of Uncertain Significance.

Fulgent Genetics
Classification: Uncertain significance for Neuropathy, hereditary sensory and autonomic, type 2A; Pseudohypoaldosteronism type 2C. Last evaluated: 2024-05-06. Review status: criteria provided, single submitter. Criteria: ACMG Guidelines, 2015. Collection method: clinical testing. Allele origin: germline.

NM_018979.4(WNK1):c.4726A>G (p.Ile1576Val)

Gene: WNK1 (WNK lysine deficient protein kinase 1; plus strand). Cytogenetic location: 12p13.33.
Variant type: single nucleotide variant.
Coding change: c.4726A>G on transcript NM_018979.4 (MANE Select); coding-DNA position 4726, A replaced by G.
Protein change: p.Ile1576Val; replaces isoleucine 1576 with valine.
Molecular consequence: missense variant.
Genome position (GRCh38, 1-based): chr12:885,530, A>G. VCF-style: chr12-885530-A-G. GRCh37 (hg19) VCF-style: chr12-994696-A-G.
Other names: c.5506A>G, p.Ile1836Val (NM_001184985.2); c.3985A>G, p.Ile1329Val (NM_014823.3); c.5482A>G, p.Ile1828Val (NM_213655.5); short protein forms I1576V, I1828V, I1836V, I1329V.
Identifiers: ClinVar variation 2922787 (VCV002922787.4), dbSNP rs979662195, ClinGen allele CA231479361.